The following is an entry in ClinVar:

NM_000612.6(IGF2):c.223del (p.Cys75fs)

Genes: IGF2 (insulin like growth factor 2; minus strand), INS-IGF2 (INS-IGF2 readthrough; minus strand). Cytogenetic location: 11p15.5.
Variant type: Deletion.
Coding change: c.223del on transcript NM_000612.6 (MANE Select); coding-DNA position 223, one base deleted (T; older notation c.223delT).
Protein change: p.Cys75fs; shifts the reading frame from cysteine 75.
Molecular consequence: frameshift variant. On other transcripts: non-coding transcript variant (1).
Genome position (GRCh38, 1-based): chr11:2,133,600, A deleted on the plus strand (T on the coding strand, the reverse complement: IGF2 is on the minus strand). VCF-style (leftmost placement, unchanged base first): chr11-2133599-CA-C. GRCh37 (hg19) VCF-style: chr11-2154829-CA-C.
Other names: c.223delT (NM_000612.6); c.223del, p.Cys75fs (NM_001007139.6, NM_001291861.3, NM_001291862.3); c.391del, p.Cys131fs (NM_001127598.3); short protein forms C131fs, C75fs.
Identifiers: ClinVar variation 4847875 (VCV004847875.1).

ClinVar aggregate classification (germline): Uncertain significance (1 of 4 stars; one submission).

Submission:

Women's Health and Genetics/Laboratory Corporation of America, LabCorp
Classification: Uncertain significance. Last evaluated: 2026-02-12. Review status: criteria provided, single submitter. Criteria: LabCorp Variant Classification Summary - May 2015. Collection method: clinical testing. Allele origin: germline.
Comment: Variant summary: IGF2 c.223delT (p.Cys75ValfsX84) results in a premature termination codon in the penultimate exon, predicted to cause a truncation of the encoded protein, however, nonsense mediated decay is not expected to occur. The variant was absent in 247274 control chromosomes. The available data on variant occurrences in the general population are insufficient to allow any conclusion about variant significance. To our knowledge, no occurrence of c.223delT in individuals affected with IGF2-related conditions and no experimental evidence demonstrating its impact on protein function have been reported. While a downstream frameshift c.243_244del, p.Glu81fs has been reported de novo in 1 individual with a molecular diagnosis of Silver-Russell syndrome, there was insufficient patient data and insufficient diagnostic testing methodology presented for use as indirect evidence for c.223delT (PMID: 37853563). No submitters have cited clinical-significance assessments for this variant to ClinVar. Based on the evidence outlined above, the variant was classified as uncertain significance.